The following is an entry in ClinVar:

GRCh37/hg19 11p13-12(chr11:31372721-38259316)x1

Genes: ABTB2 (ankyrin repeat and BTB domain containing 2; minus strand), APIP (APAF1 interacting protein; minus strand), C11orf91 (chromosome 11 open reading frame 91; minus strand), CAPRIN1 (cell cycle associated protein 1; plus strand), CAT (catalase; plus strand) and 37 more. Cytogenetic location: 11p13-12.
Variant type: copy number loss.
Change: copy number 1 (one copy instead of two) of chr11:31,372,721-38,259,316 (6.89 Mb, GRCh37 coordinates, 1-based), cytogenetic band 11p13-12.
Identifiers: ClinVar variation 1807696 (VCV001807696.1).

ClinVar aggregate classification (germline): Pathogenic (1 of 4 stars; one submission).

Submission:

Quest Diagnostics Nichols Institute San Juan Capistrano
Classification: Pathogenic. Last evaluated: 2021-06-11. Review status: criteria provided, single submitter. Criteria: ACMG/ClinGen CNV Guidelines, 2019. Collection method: clinical testing. Allele origin: unknown.
Comment: This imbalance is expected to cause phenotypic and/or developmental abnormalities. This deletion involves multiple genes including PAX6 and WT1. Contiguous gene deletions at 11p13 which contain PAX6 and WT1, at minimum, cause Wilms tumor-aniridia-genital anomalies-retardation (WAGR syndrome, OMIM 194072). Heterozygous loss of PAX6 is responsible for aniridia and heterozygous loss of WT1 is responsible for the increased risk of Wilms tumor. The presence and severity of other clinical features typically correlates with the size of the deletion. See GeneReviews.